The following is an entry in ClinVar:

ClinVar aggregate classification (germline): Uncertain significance (1 of 4 stars; one submission).

Submission:

Labcorp Genetics (formerly Invitae), Labcorp
Classification: Uncertain significance. Last evaluated: 2021-10-13. Review status: criteria provided, single submitter. Criteria: Invitae Variant Classification Sherloc (09022015). Collection method: clinical testing. Allele origin: germline.
Comment: This variant is not present in population databases (ExAC no frequency). This variant has not been reported in the literature in individuals affected with FLNB-related conditions. Advanced modeling of protein sequence and biophysical properties (such as structural, functional, and spatial information, amino acid conservation, physicochemical variation, residue mobility, and thermodynamic stability) performed at Invitae indicates that this missense variant is not expected to disrupt FLNB protein function. In summary, the available evidence is currently insufficient to determine the role of this variant in disease. Therefore, it has been classified as a Variant of Uncertain Significance. This sequence change replaces lysine with glutamic acid at codon 2562 of the FLNB protein (p.Lys2562Glu). The lysine residue is highly conserved and there is a small physicochemical difference between lysine and glutamic acid.

NM_001457.4(FLNB):c.7684A>G (p.Lys2562Glu)

Gene: FLNB (filamin B; plus strand). Cytogenetic location: 3p14.3.
Variant type: single nucleotide variant.
Coding change: c.7684A>G on transcript NM_001457.4 (MANE Select); coding-DNA position 7684, A replaced by G.
Protein change: p.Lys2562Glu; replaces lysine 2562 with glutamic acid.
Molecular consequence: missense variant.
Genome position (GRCh38, 1-based): chr3:58,170,637, A>G. VCF-style: chr3-58170637-A-G. GRCh37 (hg19) VCF-style: chr3-58156364-A-G.
Other names: c.7777A>G, p.Lys2593Glu (NM_001164317.2); c.7651A>G, p.Lys2551Glu (NM_001164318.2); c.7612A>G, p.Lys2538Glu (NM_001164319.2); short protein forms K2538E, K2551E, K2593E, K2562E.
Identifiers: ClinVar variation 1478079 (VCV001478079.6), dbSNP rs2107348238, ClinGen allele CA353336195.